The following is an entry in ClinVar:

NM_019112.4(ABCA7):c.3247C>T (p.Gln1083Ter)

Gene: ABCA7 (ATP binding cassette subfamily A member 7; plus strand). Cytogenetic location: 19p13.3.
Variant type: single nucleotide variant.
Coding change: c.3247C>T on transcript NM_019112.4 (MANE Select); coding-DNA position 3247, C replaced by T.
Protein change: p.Gln1083Ter; replaces glutamine 1083 with a stop codon.
Molecular consequence: nonsense.
Genome position (GRCh38, 1-based): chr19:1,053,355, C>T. VCF-style: chr19-1053355-C-T. GRCh37 (hg19) VCF-style: chr19-1053354-C-T.
Other names: short protein forms Q1083*.
Identifiers: ClinVar variation 2629401 (VCV002629401.2), dbSNP rs765531464, ClinGen allele CA9033971.
Genomic context (GRCh38, chr19:1,053,355, plus strand): 5'-CGGGGCTCCCTGAAGCACCCCTTTGTCCACACAGGCACTCCTCAGCTGCTGGCCCTGGTA[C>T]AGCACTGGGTGCCCGGGGCACGGCTGGTGGAGGAGCTGCCACACGAGCTGGTGCTGGTGC-3'

ClinVar aggregate classification (germline): Uncertain significance (1 of 4 stars; one submission).

Conditions:
ABCA7-related disorder. Also called: ABCA7-related condition.

Allele frequency attached by ClinVar (database versions not stated): TOPMed below 0.00001; ExAC 0.00001; gnomAD 0.00001; gnomAD exomes 0.00001.
gnomAD v4.1: 17 of 1,609,546 alleles (0.0011%); highest among the groups gnomAD compares: Admixed American, 0.0017%; no homozygotes.

Submission:

PreventionGenetics, part of Exact Sciences
Classification: Uncertain significance for ABCA7-related condition. Last evaluated: 2025-09-09. Review status: criteria provided, single submitter. Criteria: ACMG Guidelines, 2015. Collection method: clinical testing. Allele origin: germline.
Comment: The ABCA7 c.3247C>T variant is predicted to result in premature protein termination (p.Gln1083*). This variant was reported in an individual with Alzheimer disease (Bossaerts et al. 2021. PubMed ID: 34090711). This variant is reported in 0.0029% of alleles in individuals of Latino descent in gnomAD. Loss of function is not an established mechanism of ABCA7-related disease. Although we suspect that this variant may be pathogenic, at this time, the clinical significance of this variant is uncertain due to the absence of conclusive functional and genetic evidence.